The following is an entry in ClinVar:

NM_001042492.3(NF1):c.7968del (p.Val2657fs)

Gene: NF1 (neurofibromin 1; plus strand). Cytogenetic location: 17q11.2.
Variant type: Deletion.
Coding change: c.7968del on transcript NM_001042492.3 (MANE Select); coding-DNA position 7968, one base deleted (T; older notation c.7968delT).
Protein change: p.Val2657fs; shifts the reading frame from valine 2657.
Molecular consequence: frameshift variant.
Genome position (GRCh38, 1-based): chr17:31,357,367, T deleted; the last of 2 consecutive T bases (chr17:31,357,366-31,357,367); deleting either gives the same sequence. VCF-style (leftmost placement, unchanged base first): chr17-31357365-GT-G. GRCh37 (hg19) VCF-style: chr17-29684383-GT-G.
Other names: c.7905delT, p.Val2636Cysfs (NM_000267.4); short protein forms V2636fs, V2657fs.
Identifiers: ClinVar variation 3572045 (VCV003572045.1).

ClinVar aggregate classification (germline): Pathogenic (1 of 4 stars; one submission).

Submission:

Quest Diagnostics Nichols Institute San Juan Capistrano
Classification: Pathogenic. Last evaluated: 2024-05-21. Review status: criteria provided, single submitter. Criteria: Quest Diagnostics criteria. Collection method: clinical testing. Allele origin: unknown.
Comment: The NF1 c.7905del (p.Val2636Cysfs*22) variant alters the translational reading frame of the NF1 mRNA and causes the premature termination of NF1 protein synthesis. This variant has not been reported in individuals with NF1-related conditions in the published literature. This variant has not been reported in large, multi-ethnic general populations (Genome Aggregation Database). Based on the available information, this variant is classified as pathogenic.